The following is an entry in ClinVar:

ClinVar aggregate classification (germline): Uncertain significance. Review status: criteria provided, multiple submitters, no conflicts (2 of 4 stars). 2 submissions from 2 submitters: Uncertain significance (2). Last evaluated 2024-03-06.

Conditions:
Familial hypercholesterolemia. Also called: Familial hypercholesterolemias; Familial hypercholesterolaemia. Identifiers: MedGen C0020445, MONDO:0005439.
Hypercholesterolemia, autosomal dominant, 3 (FHCL3). Also called: Familial hypercholesterolemia 3; Familial Hypercholesterolemia, Autosomal Dominant, 3; PCSK9-Related Familial Hypercholesterolemia, Autosomal Dominant. Identifiers: MedGen C1863551, MONDO:0011369, OMIM 603776.

Allele frequency attached by ClinVar (database versions not stated): gnomAD exomes below 0.00001; ExAC 0.00001.
gnomAD v4.1: 1 of 1,614,224 alleles (0.000062%); highest among the groups gnomAD compares: South Asian, 0.0011%; no homozygotes.

Submissions (2):

Color Diagnostics, LLC DBA Color Health
Classification: Uncertain significance for Familial hypercholesterolemia. Last evaluated: 2024-03-06. Review status: criteria provided, single submitter. Criteria: ACMG Guidelines, 2015. Collection method: clinical testing. Allele origin: germline.
Comment: This missense variant replaces lysine with asparagine at codon 125 of the PCSK9 protein. Computational prediction suggests that this variant may not impact protein structure and function (internally defined REVEL score threshold <= 0.5, PMID: 27666373). To our knowledge, functional studies have not been reported for this variant. This variant has not been reported in individuals affected with familial hypercholesterolemia in the literature. This variant has been identified in 1/251400 chromosomes in the general population by the Genome Aggregation Database (gnomAD). The available evidence is insufficient to determine the role of this variant in disease conclusively. Therefore, this variant is classified as a Variant of Uncertain Significance.

All of Us Research Program, National Institutes of Health
Classification: Uncertain significance for Hypercholesterolemia, autosomal dominant, 3. Last evaluated: 2023-11-20. Review status: criteria provided, single submitter. Criteria: ACMG Guidelines, 2015. Collection method: clinical testing. Allele origin: germline. Inheritance: Autosomal dominant inheritance. Observed: 1 variant allele, 1 heterozygote.
Comment: This missense variant replaces lysine with asparagine at codon 125 of the PCSK9 protein. Computational prediction suggests that this variant may not impact protein structure and function (internally defined REVEL score threshold <= 0.5, PMID: 27666373). To our knowledge, functional studies have not been reported for this variant. This variant has not been reported in individuals affected with familial hypercholesterolemia in the literature. This variant has been identified in 1/251400 chromosomes in the general population by the Genome Aggregation Database (gnomAD). The available evidence is insufficient to determine the role of this variant in disease conclusively. Therefore, this variant is classified as a Variant of Uncertain Significance.

This study involves interpretation of variants in research participants for the purpose of population health screening. Participant phenotype was not available at the time of variant classification. Additional details can be found in publication PMID: 35346344, PMCID: PMC8962531

NM_174936.4(PCSK9):c.375G>C (p.Lys125Asn)

Gene: PCSK9 (proprotein convertase subtilisin/kexin type 9; plus strand). Cytogenetic location: 1p32.3.
Variant type: single nucleotide variant.
Coding change: c.375G>C on transcript NM_174936.4 (MANE Select); coding-DNA position 375, G replaced by C.
Protein change: p.Lys125Asn; replaces lysine 125 with asparagine.
Molecular consequence: missense variant.
Genome position (GRCh38, 1-based): chr1:55,044,010, G>C. VCF-style: chr1-55044010-G-C. GRCh37 (hg19) VCF-style: chr1-55509683-G-C.
Other names: short protein forms K125N.
Identifiers: ClinVar variation 924427 (VCV000924427.6), dbSNP rs767164134, ClinGen allele CA041613.
Genomic context (GRCh38, chr1:55,044,010, plus strand): 5'-GGGATACCTCACCAAGATCCTGCATGTCTTCCATGGCCTTCTTCCTGGCTTCCTGGTGAA[G>C]ATGAGTGGCGACCTGCTGGAGCTGGTGAGCCACCCTTTTTGGGAATGGCACTTCCTGATA-3'
Protein context (NP_777596.2, residues 115-135): FHGLLPGFLV[Lys125Asn]MSGDLLELAL